The following is an entry in ClinVar:

NM_170784.3(MKKS):c.709A>G (p.Thr237Ala)

Gene: MKKS (MKKS centrosomal shuttling protein; minus strand). Cytogenetic location: 20p12.2.
Variant type: single nucleotide variant.
Coding change: c.709A>G on transcript NM_170784.3 (MANE Select); coding-DNA position 709, A replaced by G.
Protein change: p.Thr237Ala; replaces threonine 237 with alanine.
Molecular consequence: missense variant.
Genome position (GRCh38, 1-based): chr20:10,412,806, T>C on the plus strand (A>G on the coding strand, the complement: MKKS is on the minus strand). VCF-style: chr20-10412806-T-C. GRCh37 (hg19) VCF-style: chr20-10393454-T-C.
Other names: c.709A>G, p.Thr237Ala (NM_018848.3); short protein forms T237A.
Identifiers: ClinVar variation 860428 (VCV000860428.8), dbSNP rs760185677, ClinGen allele CA9763640.
Genomic context (GRCh38, chr20:10,412,806, plus strand): 5'-CTCCAGTGTCAGAAGTGTCTCCGGATAAAGTTGTACAAAAGAGTGCCACCTTGAGGGCAG[T>C]TGATTTTTTGATAGGTAATAGCCTCATTAATTGAACTTCTGACATTTCAATGAGTATCCC-3'
Protein context (NP_740754.1, residues 227-247): LMRLLPIKKS[Thr237Ala]ALKVALFCTT

ClinVar aggregate classification (germline): Uncertain significance. Review status: criteria provided, multiple submitters, no conflicts (2 of 4 stars). 2 submissions from 2 submitters: Uncertain significance (2). Last evaluated 2026-05-27.

Conditions:
McKusick-Kaufman syndrome (MKKS). Also called: HYDROMETROCOLPOS SYNDROME; HYDROMETROCOLPOS, POSTAXIAL POLYDACTYLY, AND CONGENITAL HEART MALFORMATION. Identifiers: Orphanet 2473, MedGen C0948368, MONDO:0009367, OMIM 236700.
Bardet-Biedl syndrome (BBS). Identifiers: Orphanet 110, MedGen C0752166, MONDO:0015229.
MKKS-related disorder. Also called: MKKS-related disorders; MKKS-related condition.

Allele frequency attached by ClinVar (database versions not stated): gnomAD exomes below 0.00001; ExAC 0.00001; gnomAD 0.00001; TOPMed 0.00002.
gnomAD v4.1: 16 of 1,614,100 alleles (0.00099%); highest among the groups gnomAD compares: East Asian, 0.0022%; no homozygotes.

Submissions (2):

PreventionGenetics, part of Exact Sciences
Classification: Uncertain significance for MKKS-related condition. Last evaluated: 2026-05-27. Review status: criteria provided, single submitter. Criteria: ACMG Guidelines, 2015. Collection method: clinical testing. Allele origin: germline.
Comment: The MKKS c.709A>G variant is predicted to result in the amino acid substitution p.Thr237Ala. This variant has been reported in the heterozygous state in an individual with features of Bardet-Biedl syndrome; however, a second pathogenic variant was not identified (reported as BBS6 T237A in Hichri et al. 2005. PubMed ID: 15770229). In addition, this variant was paternally inherited from an unaffected father and not detected in the similarly affected sibling, indicating it likely was not causative in this family. This variant is reported in 0.00088% of alleles in individuals of European (Non-Finnish) descent in gnomAD. At this time, the clinical significance of this variant is uncertain due to the absence of conclusive functional and genetic evidence.

Labcorp Genetics (formerly Invitae), Labcorp
Classification: Uncertain significance for McKusick-Kaufman syndrome; Bardet-Biedl syndrome. Last evaluated: 2021-09-01. Review status: criteria provided, single submitter. Criteria: Invitae Variant Classification Sherloc (09022015). Collection method: clinical testing. Allele origin: germline.
Comment: This sequence change replaces threonine with alanine at codon 237 of the MKKS protein (p.Thr237Ala). The threonine residue is weakly conserved and there is a small physicochemical difference between threonine and alanine. This variant is present in population databases (rs760185677, ExAC 0.001%). This variant has not been reported in the literature in individuals affected with MKKS-related conditions. Algorithms developed to predict the effect of missense changes on protein structure and function (SIFT, PolyPhen-2, Align-GVGD) all suggest that this variant is likely to be tolerated. Experimental studies are conflicting or provide insufficient evidence to determine the effect of this variant on MKKS function (PMID: 20498079). Algorithms developed to predict the effect of sequence changes on RNA splicing suggest that this variant may create or strengthen a splice site. In summary, the available evidence is currently insufficient to determine the role of this variant in disease. Therefore, it has been classified as a Variant of Uncertain Significance.

Literature cited by the submitters: PubMed 20498079 (cited by Labcorp Genetics (formerly Invitae), Labcorp).